The following is an entry in ClinVar:

ClinVar aggregate classification (germline): Uncertain significance (1 of 4 stars; one submission).

Allele frequency attached by ClinVar (database versions not stated): ExAC 0.00001; gnomAD exomes 0.00001.
gnomAD v4.1: 3 of 1,612,516 alleles (0.00019%); highest among the groups gnomAD compares: Admixed American, 0.005%; no homozygotes.

Submission:

Labcorp Genetics (formerly Invitae), Labcorp
Classification: Uncertain significance. Last evaluated: 2022-07-15. Review status: criteria provided, single submitter. Criteria: Invitae Variant Classification Sherloc (09022015). Collection method: clinical testing. Allele origin: germline.
Comment: In summary, the available evidence is currently insufficient to determine the role of this variant in disease. Therefore, it has been classified as a Variant of Uncertain Significance. Algorithms developed to predict the effect of missense changes on protein structure and function (SIFT, PolyPhen-2, Align-GVGD) all suggest that this variant is likely to be tolerated. This variant has not been reported in the literature in individuals affected with LAMA1-related conditions. This variant is present in population databases (rs752008334, gnomAD 0.009%). This sequence change replaces proline, which is neutral and non-polar, with alanine, which is neutral and non-polar, at codon 1149 of the LAMA1 protein (p.Pro1149Ala).

NM_005559.4(LAMA1):c.3445C>G (p.Pro1149Ala)

Gene: LAMA1 (laminin subunit alpha 1; minus strand). Cytogenetic location: 18p11.31.
Variant type: single nucleotide variant.
Coding change: c.3445C>G on transcript NM_005559.4 (MANE Select); coding-DNA position 3445, C replaced by G.
Protein change: p.Pro1149Ala; replaces proline 1149 with alanine.
Molecular consequence: missense variant.
Genome position (GRCh38, 1-based): chr18:7,012,057, G>C on the plus strand (C>G on the coding strand, the complement: LAMA1 is on the minus strand). VCF-style: chr18-7012057-G-C. GRCh37 (hg19) VCF-style: chr18-7012056-G-C.
Other names: short protein forms P1149A.
Identifiers: ClinVar variation 1976655 (VCV001976655.5), dbSNP rs752008334, ClinGen allele CA8882287.